The following is an entry in ClinVar:

NM_000179.3(MSH6):c.2977G>T (p.Glu993Ter)

Gene: MSH6 (mutS homolog 6; plus strand). Cytogenetic location: 2p16.3.
Variant type: single nucleotide variant.
Coding change: c.2977G>T on transcript NM_000179.3 (MANE Select); coding-DNA position 2977, G replaced by T.
Protein change: p.Glu993Ter; replaces glutamic acid 993 with a stop codon.
Molecular consequence: nonsense.
Genome position (GRCh38, 1-based): chr2:47,800,960, G>T. VCF-style: chr2-47800960-G-T. GRCh37 (hg19) VCF-style: chr2-48028099-G-T.
Other names: c.2587G>T, p.Glu863Ter (NM_001281492.2); c.2071G>T, p.Glu691Ter (NM_001281493.2, NM_001281494.2, NM_001406811.1 and 6 more transcripts); c.3073G>T, p.Glu1025Ter (NM_001406795.1, NM_001406802.1); c.2977G>T, p.Glu993Ter (NM_001406796.1, NM_001406798.1, NM_001406800.1 and 2 more transcripts); c.2680G>T, p.Glu894Ter (NM_001406797.1, NM_001406801.1, NM_001406805.1 and 10 more transcripts); c.2452G>T, p.Glu818Ter (NM_001406799.1, NM_001406806.1, NM_001406807.1); c.2899G>T, p.Glu967Ter (NM_001406804.1); c.2983G>T, p.Glu995Ter (NM_001406813.1); and 2 more; short protein forms E894*, E1025*, E691*, E937*, E995*, E818*, E863*, E967*.
Identifiers: ClinVar variation 1798340 (VCV001798340.4), dbSNP rs1558667523, ClinGen allele CA346756350.

ClinVar aggregate classification (germline): Pathogenic/Likely pathogenic. Review status: criteria provided, multiple submitters, no conflicts (2 of 4 stars). 2 submissions from 2 submitters: Pathogenic (1); Likely pathogenic (1). Last evaluated 2022-09-15.

Conditions:
Hereditary cancer-predisposing syndrome. Also called: Neoplastic Syndromes, Hereditary; Tumor predisposition; Hereditary Cancer Syndrome; Hereditary neoplastic syndrome. Identifiers: Orphanet 140162, MedGen C0027672, MeSH D009386, MONDO:0015356.
Lynch syndrome 5 (LYNCH5). Also called: Colorectal cancer, hereditary nonpolyposis, type 5; Hereditary non-polyposis colorectal cancer, type 5. Identifiers: Orphanet 144, MedGen C1833477, MONDO:0013710, OMIM 614350. Disease mechanism: loss of function.

Submissions (2):

Institute of Human Genetics, University of Leipzig Medical Center
Classification: Likely pathogenic for Lynch syndrome 5. Last evaluated: 2022-09-15. Review status: criteria provided, single submitter. Criteria: ACMG Guidelines, 2015. Collection method: clinical testing. Allele origin: unknown. Affected: yes.
Comment: Criteria applied: PVS1,PM2_SUP

Ambry Genetics
Classification: Pathogenic for Hereditary cancer-predisposing syndrome. Last evaluated: 2022-07-06. Review status: criteria provided, single submitter. Criteria: Ambry Variant Classification Scheme 2023. Collection method: clinical testing. Allele origin: germline.
Comment: The p.E993* pathogenic mutation (also known as c.2977G>T), located in coding exon 4 of the MSH6 gene, results from a G to T substitution at nucleotide position 2977. This changes the amino acid from a glutamic acid to a stop codon within coding exon 4. This variant is considered to be rare based on population cohorts in the Genome Aggregation Database (gnomAD). This alteration is expected to result in loss of function by premature protein truncation or nonsense-mediated mRNA decay. As such, this alteration is interpreted as a disease-causing mutation.